The following is an entry in ClinVar:

ClinVar aggregate classification (germline): Uncertain significance (1 of 4 stars; one submission).

Conditions:
Fanconi anemia (FA). Also called: Fanconi's anemia. Identifiers: Orphanet 84, MedGen C0015625, MeSH D005199, MONDO:0019391.

Submission:

Labcorp Genetics (formerly Invitae), Labcorp
Classification: Uncertain significance for Fanconi anemia. Last evaluated: 2021-12-13. Review status: criteria provided, single submitter. Criteria: Invitae Variant Classification Sherloc (09022015). Collection method: clinical testing. Allele origin: germline.
Comment: In summary, the available evidence is currently insufficient to determine the role of this variant in disease. Therefore, it has been classified as a Variant of Uncertain Significance. Algorithms developed to predict the effect of missense changes on protein structure and function (SIFT, PolyPhen-2, Align-GVGD) all suggest that this variant is likely to be disruptive. This variant has not been reported in the literature in individuals affected with FANCL-related conditions. This variant is not present in population databases (gnomAD no frequency). This sequence change replaces cysteine, which is neutral and slightly polar, with serine, which is neutral and polar, at codon 324 of the FANCL protein (p.Cys324Ser).

NM_018062.4(FANCL):c.971G>C (p.Cys324Ser)

Gene: FANCL (FA complementation group L; minus strand). Cytogenetic location: 2p16.1.
Variant type: single nucleotide variant.
Coding change: c.971G>C on transcript NM_018062.4 (MANE Select); coding-DNA position 971, G replaced by C.
Protein change: p.Cys324Ser; replaces cysteine 324 with serine.
Molecular consequence: missense variant.
Genome position (GRCh38, 1-based): chr2:58,161,571, C>G on the plus strand (G>C on the coding strand, the complement: FANCL is on the minus strand). VCF-style: chr2-58161571-C-G. GRCh37 (hg19) VCF-style: chr2-58388706-C-G.
Other names: c.986G>C, p.Cys329Ser (NM_001114636.2); c.1016G>C, p.Cys339Ser (NM_001374615.1); c.1031G>C, p.Cys344Ser (NM_001410792.1); short protein forms C324S, C329S, C339S, C344S.
Identifiers: ClinVar variation 1351862 (VCV001351862.6), dbSNP rs1685176362, ClinGen allele CA346932894.